The following is an entry in ClinVar:

ClinVar aggregate classification (germline): Likely pathogenic (1 of 4 stars; one submission).

Conditions:
Christianson syndrome (MRXSCH). Also called: SLC9A6-Related Syndromic Mental Retardation; X-linked mental retardation, syndromic, Christianson type; INTELLECTUAL DEVELOPMENTAL DISORDER, X-LINKED, SYNDROMIC, CHRISTIANSON TYPE. Identifiers: Orphanet 85278, MedGen C2678194, MONDO:0010278, OMIM 300243.

Submission:

Labcorp Genetics (formerly Invitae), Labcorp
Classification: Likely pathogenic for Christianson syndrome. Last evaluated: 2022-10-28. Review status: criteria provided, single submitter. Criteria: Invitae Variant Classification Sherloc (09022015). Collection method: clinical testing. Allele origin: germline.
Comment: Algorithms developed to predict the effect of sequence changes on RNA splicing suggest that this variant may disrupt the consensus splice site. This sequence change affects a donor splice site in intron 8 of the SLC9A6 gene. It is expected to disrupt RNA splicing. Variants that disrupt the donor or acceptor splice site typically lead to a loss of protein function (PMID: 16199547), and loss-of-function variants in SLC9A6 are known to be pathogenic (PMID: 18342287). This variant is not present in population databases (gnomAD no frequency). This variant has not been reported in the literature in individuals affected with SLC9A6-related conditions. In summary, the currently available evidence indicates that the variant is pathogenic, but additional data are needed to prove that conclusively. Therefore, this variant has been classified as Likely Pathogenic.

Literature cited by the submitters: PubMed 16199547; PubMed 18342287.

NM_001379110.1(SLC9A6):c.991+1G>A

Gene: SLC9A6 (solute carrier family 9 member A6; plus strand). Cytogenetic location: Xq26.3.
Variant type: single nucleotide variant.
Coding change: c.991+1G>A on transcript NM_001379110.1 (MANE Select); the canonical splice donor site of the intron after coding-DNA position 991, G replaced by A.
Molecular consequence: splice donor variant.
Genome position (GRCh38, 1-based): chrX:136,013,055, G>A. VCF-style: chrX-136013055-G-A. GRCh37 (hg19) VCF-style: chrX-135095214-G-A.
Other names: c.991+1G>A (NM_001400909.1, NM_001400910.1, NM_001400911.1 and 2 more transcripts); c.1147+1G>A (NM_001042537.2); c.1051+1G>A (NM_006359.3); c.895+1G>A (NM_001400913.1, NM_001330652.2).
Identifiers: ClinVar variation 1997127 (VCV001997127.4), dbSNP rs2521310197, ClinGen allele CA414751889.
Genomic context (GRCh38, chrX:136,013,055, plus strand): 5'-GCCTGTTCTTCTTGATGTCCTGGAGTACCTTCCTCTTGGCTGAAGCATGGGGCTTCACAG[G>A]TAGGTGACTTGCTCCCTTTGATTGTCAACCCTTAAAAGGAGTGACTTTGCCAGTCAATTT-3'